The following is an entry in ClinVar:

ClinVar aggregate classification (germline): Uncertain significance (1 of 4 stars; one submission).

Conditions:
Hypertrophic cardiomyopathy. Also called: HYPERTROPHIC MYOCARDIOPATHY. Identifiers: Orphanet 217569, MedGen C0007194, MeSH D002312, MONDO:0005045, HP:0001639.

Allele frequency attached by ClinVar (database versions not stated): gnomAD exomes below 0.00001.
gnomAD v4.1: 1 of 1,585,524 alleles (0.000063%); highest among the groups gnomAD compares: Non-Finnish European, 0.000086%; no homozygotes.

Submission:

Labcorp Genetics (formerly Invitae), Labcorp
Classification: Uncertain significance for Hypertrophic cardiomyopathy. Last evaluated: 2020-09-02. Review status: criteria provided, single submitter. Criteria: Invitae Variant Classification Sherloc (09022015). Collection method: clinical testing. Allele origin: germline.
Comment: This sequence change replaces leucine with proline at codon 629 of the MYBPC3 protein (p.Leu629Pro). The leucine residue is highly conserved and there is a moderate physicochemical difference between leucine and proline. This variant is not present in population databases (ExAC no frequency). This variant has been observed in individual(s) with hypertrophic cardiomyopathy (PMID: 27532257). ClinVar contains an entry for this variant (Variation ID: 180409). Algorithms developed to predict the effect of missense changes on protein structure and function (SIFT, PolyPhen-2, Align-GVGD) all suggest that this variant is likely to be disruptive, but these predictions have not been confirmed by published functional studies and their clinical significance is uncertain. In summary, the available evidence is currently insufficient to determine the role of this variant in disease. Therefore, it has been classified as a Variant of Uncertain Significance.

Literature cited by the submitters: PubMed 27532257.

NM_000256.3(MYBPC3):c.1886T>C (p.Leu629Pro)

Gene: MYBPC3 (myosin binding protein C3; minus strand). Cytogenetic location: 11p11.2.
Variant type: single nucleotide variant.
Coding change: c.1886T>C on transcript NM_000256.3 (MANE Select); coding-DNA position 1886, T replaced by C.
Protein change: p.Leu629Pro; replaces leucine 629 with proline.
Molecular consequence: missense variant.
Genome position (GRCh38, 1-based): chr11:47,341,149, A>G on the plus strand (T>C on the coding strand, the complement: MYBPC3 is on the minus strand). VCF-style: chr11-47341149-A-G. GRCh37 (hg19) VCF-style: chr11-47362700-A-G.
Other names: c.1886T>C, p.Leu629Pro (LRG_386t1); short protein forms L629P.
Identifiers: ClinVar variation 180409 (VCV000180409.10), dbSNP rs730880137, ClinGen allele CA011389.